The following is an entry in ClinVar:

NM_004204.5(PIGQ):c.1532-5T>C

Gene: PIGQ (phosphatidylinositol glycan anchor biosynthesis class Q; plus strand). Cytogenetic location: 16p13.3.
Variant type: single nucleotide variant.
Coding change: c.1532-5T>C on transcript NM_004204.5 (MANE Select); 5 bases into the intron before coding-DNA position 1532, T replaced by C.
Molecular consequence: intron variant.
Genome position (GRCh38, 1-based): chr16:582,243, T>C. VCF-style: chr16-582243-T-C. GRCh37 (hg19) VCF-style: chr16-632243-T-C.
Other names: c.1532-640T>C (NM_148920.4).
Identifiers: ClinVar variation 2110965 (VCV002110965.4), dbSNP rs2505941902, ClinGen allele CA2580090898.

ClinVar aggregate classification (germline): Uncertain significance (1 of 4 stars; one submission).

Conditions:
Epilepsy. Also called: Seizure disorder. Identifiers: MedGen C0014544, MeSH D004827, MONDO:0005027.

Submission:

Labcorp Genetics (formerly Invitae), Labcorp
Classification: Uncertain significance for Epilepsy. Last evaluated: 2024-05-22. Review status: criteria provided, single submitter. Criteria: Invitae Variant Classification Sherloc (09022015). Collection method: clinical testing. Allele origin: germline.
Comment: This sequence change falls in intron 9 of the PIGQ gene. It does not directly change the encoded amino acid sequence of the PIGQ protein. This variant is not present in population databases (gnomAD no frequency). This variant has not been reported in the literature in individuals affected with PIGQ-related conditions. ClinVar contains an entry for this variant (Variation ID: 2110965). Algorithms developed to predict the effect of sequence changes on RNA splicing suggest that this variant may disrupt the consensus splice site. In summary, the available evidence is currently insufficient to determine the role of this variant in disease. Therefore, it has been classified as a Variant of Uncertain Significance.